The following is an entry in ClinVar:

NM_001365480.1(CCDC88A):c.778A>T (p.Ile260Leu)

Gene: CCDC88A (coiled-coil and HOOK domain protein 88A; minus strand). Cytogenetic location: 2p16.1.
Variant type: single nucleotide variant.
Coding change: c.778A>T on transcript NM_001365480.1 (MANE Select); coding-DNA position 778, A replaced by T.
Protein change: p.Ile260Leu; replaces isoleucine 260 with leucine.
Molecular consequence: missense variant.
Genome position (GRCh38, 1-based): chr2:55,355,601, T>A on the plus strand (A>T on the coding strand, the complement: CCDC88A is on the minus strand). VCF-style: chr2-55355601-T-A. GRCh37 (hg19) VCF-style: chr2-55582737-T-A.
Other names: c.778A>T, p.Ile260Leu (NM_001135597.2, NM_001254943.2, NM_018084.5); short protein forms I260L.
Identifiers: ClinVar variation 1393278 (VCV001393278.6), dbSNP rs1207064941, ClinGen allele CA346909715.

ClinVar aggregate classification (germline): Uncertain significance (1 of 4 stars; one submission).

Allele frequency attached by ClinVar (database versions not stated): gnomAD exomes below 0.00001.
gnomAD v4.1: 1 of 1,614,138 alleles (0.000062%); highest among the groups gnomAD compares: Non-Finnish European, 0.000085%; no homozygotes.

Submission:

Labcorp Genetics (formerly Invitae), Labcorp
Classification: Uncertain significance. Last evaluated: 2021-11-14. Review status: criteria provided, single submitter. Criteria: Invitae Variant Classification Sherloc (09022015). Collection method: clinical testing. Allele origin: germline.
Comment: In summary, the available evidence is currently insufficient to determine the role of this variant in disease. Therefore, it has been classified as a Variant of Uncertain Significance. Algorithms developed to predict the effect of missense changes on protein structure and function (SIFT, PolyPhen-2, Align-GVGD) all suggest that this variant is likely to be tolerated. This variant has not been reported in the literature in individuals affected with CCDC88A-related conditions. This variant is present in population databases (no rsID available, gnomAD 0.0009%). This sequence change replaces isoleucine, which is neutral and non-polar, with leucine, which is neutral and non-polar, at codon 260 of the CCDC88A protein (p.Ile260Leu).